The following is an entry in ClinVar:

NM_001267550.2(TTN):c.88921G>A (p.Glu29641Lys)

Genes: TTN-AS1 (TTN antisense RNA 1; plus strand), TTN (titin; minus strand). Cytogenetic location: 2q31.2.
Variant type: single nucleotide variant.
Coding change: c.88921G>A on transcript NM_001267550.2 (MANE Select); coding-DNA position 88921, G replaced by A.
Protein change: p.Glu29641Lys; replaces glutamic acid 29641 with lysine.
Molecular consequence: missense variant.
Genome position (GRCh38, 1-based): chr2:178,554,190, C>T on the plus strand (G>A on the coding strand, the complement: TTN is on the minus strand). VCF-style: chr2-178554190-C-T. GRCh37 (hg19) VCF-style: chr2-179418917-C-T.
Other names: c.83998G>A, p.Glu28000Lys (NM_001256850.1); c.61726G>A, p.Glu20576Lys (NM_003319.4); c.81217G>A, p.Glu27073Lys (NM_133378.4); c.62101G>A, p.Glu20701Lys (NM_133432.3); c.62302G>A, p.Glu20768Lys (NM_133437.4); short protein forms E27073K, E28000K, E20576K, E20701K, E20768K, E29641K.
Identifiers: ClinVar variation 4958022 (VCV004958022.2).

ClinVar aggregate classification (germline): Uncertain significance. Review status: criteria provided, multiple submitters, no conflicts (2 of 4 stars). 2 submissions from 2 submitters: Uncertain significance (2). Last evaluated 2026-01-21.

Conditions:
TTN-related disorder. Also called: TTN-related disorders; TTN-related condition; TTN-related disease.

gnomAD v4.1: 4 of 1,604,784 alleles (0.00025%); highest among the groups gnomAD compares: Admixed American, 0.0051%; no homozygotes.

Submissions (2):

PreventionGenetics, part of Exact Sciences
Classification: Uncertain significance for TTN-related condition. Last evaluated: 2026-01-21. Review status: criteria provided, single submitter. Criteria: ACMG Guidelines, 2015. Collection method: clinical testing. Allele origin: germline.
Comment: The TTN c.88921G>A variant is predicted to result in the amino acid substitution p.Glu29641Lys. To our knowledge, this variant has not been reported in the literature. This variant is reported in 0.0091% of alleles in individuals of Latino descent in gnomAD. At this time, the clinical significance of this variant is uncertain due to the absence of conclusive functional and genetic evidence.

Blueprint Genetics
Classification: Uncertain significance. Last evaluated: 2024-10-07. Review status: criteria provided, single submitter. Criteria: ACMG Guidelines, 2015. Collection method: clinical testing. Allele origin: germline.